The following is an entry in ClinVar:

ClinVar aggregate classification (germline): Uncertain significance. Review status: criteria provided, multiple submitters, no conflicts (2 of 4 stars). 2 submissions from 2 submitters: Uncertain significance (2). Last evaluated 2024-08-27.

Conditions:
Bardet-Biedl syndrome (BBS). Identifiers: Orphanet 110, MedGen C0752166, MONDO:0015229.

Submissions (2):

GeneDx
Classification: Uncertain significance. Last evaluated: 2024-08-27. Review status: criteria provided, single submitter. Criteria: GeneDx Variant Classification Process June 2021. Collection method: clinical testing. Allele origin: germline. Affected: yes.
Comment: Not observed at significant frequency in large population cohorts (gnomAD); In silico analysis indicates that this missense variant does not alter protein structure/function; Has not been previously published as pathogenic or benign to our knowledge

Labcorp Genetics (formerly Invitae), Labcorp
Classification: Uncertain significance for Bardet-Biedl syndrome. Last evaluated: 2022-10-24. Review status: criteria provided, single submitter. Criteria: Invitae Variant Classification Sherloc (09022015). Collection method: clinical testing. Allele origin: germline.
Comment: In summary, the available evidence is currently insufficient to determine the role of this variant in disease. Therefore, it has been classified as a Variant of Uncertain Significance. Advanced modeling of protein sequence and biophysical properties (such as structural, functional, and spatial information, amino acid conservation, physicochemical variation, residue mobility, and thermodynamic stability) performed at Invitae indicates that this missense variant is not expected to disrupt WDPCP protein function. This variant has not been reported in the literature in individuals affected with WDPCP-related conditions. This variant is not present in population databases (gnomAD no frequency). This sequence change replaces proline, which is neutral and non-polar, with serine, which is neutral and polar, at codon 673 of the WDPCP protein (p.Pro673Ser).

NM_015910.7(WDPCP):c.2017C>T (p.Pro673Ser)

Gene: WDPCP (WD repeat containing planar cell polarity effector; minus strand). Cytogenetic location: 2p15.
Variant type: single nucleotide variant.
Coding change: c.2017C>T on transcript NM_015910.7 (MANE Select); coding-DNA position 2017, C replaced by T.
Protein change: p.Pro673Ser; replaces proline 673 with serine.
Molecular consequence: missense variant. On other transcripts: non-coding transcript variant (3).
Genome position (GRCh38, 1-based): chr2:63,174,731, G>A on the plus strand (C>T on the coding strand, the complement: WDPCP is on the minus strand). VCF-style: chr2-63174731-G-A. GRCh37 (hg19) VCF-style: chr2-63401866-G-A.
Other names: c.2017C>T (NM_015910.5); c.1540C>T, p.Pro514Ser (NM_001042692.3); c.1945C>T, p.Pro649Ser (NM_001354044.2); short protein forms P649S, P514S, P673S.
Identifiers: ClinVar variation 2181450 (VCV002181450.5), dbSNP rs2469250036, ClinGen allele CA347056525.